The following is an entry in ClinVar:

NM_017841.4(SDHAF2):c.194C>G (p.Thr65Ser)

Gene: SDHAF2 (succinate dehydrogenase complex assembly factor 2; plus strand). Cytogenetic location: 11q12.2.
Variant type: single nucleotide variant.
Coding change: c.194C>G on transcript NM_017841.4 (MANE Select); coding-DNA position 194, C replaced by G.
Protein change: p.Thr65Ser; replaces threonine 65 with serine.
Molecular consequence: missense variant.
Genome position (GRCh38, 1-based): chr11:61,437,782, C>G. VCF-style: chr11-61437782-C-G. GRCh37 (hg19) VCF-style: chr11-61205254-C-G.
Other names: c.194C>G (NM_017841.2); short protein forms T65S.
Identifiers: ClinVar variation 1488680 (VCV001488680.9), dbSNP rs752462796, ClinGen allele CA380683573.

ClinVar aggregate classification (germline): Conflicting classifications of pathogenicity. Review status: criteria provided, conflicting classifications (1 of 4 stars). 2 submissions from 2 submitters: Uncertain significance (1); Benign (1). Last evaluated 2025-08-17.

Conditions:
Hereditary pheochromocytoma and paraganglioma. Also called: Hereditary paragangliomas and pheochromocytomas; Hereditary Paraganglioma-Pheochromocytoma Syndromes; Hereditary pheochromocytoma-paraganglioma. Identifiers: Orphanet 29072, MedGen C4274332, MONDO:0017366.
Ovarian cancer. Also called: OVARIAN CANCER, SOMATIC. Identifiers: Orphanet 213500, MedGen C1140680, MONDO:0008170, OMIM 167000.

Submissions (2):

Labcorp Genetics (formerly Invitae), Labcorp
Classification: Uncertain significance for Hereditary pheochromocytoma and paraganglioma. Last evaluated: 2025-08-17. Review status: criteria provided, single submitter. Criteria: Invitae Variant Classification Sherloc (09022015). Collection method: clinical testing. Allele origin: germline.
Comment: This sequence change replaces threonine, which is neutral and polar, with serine, which is neutral and polar, at codon 65 of the SDHAF2 protein (p.Thr65Ser). This variant is not present in population databases (gnomAD no frequency). This variant has not been reported in the literature in individuals affected with SDHAF2-related conditions. ClinVar contains an entry for this variant (Variation ID: 1488680). An algorithm developed to predict the effect of missense changes on protein structure and function (PolyPhen-2) suggests that this variant is likely to be tolerated. In summary, the available evidence is currently insufficient to determine the role of this variant in disease. Therefore, it has been classified as a Variant of Uncertain Significance.

Laboratory of Molecular Epidemiology of Birth Defects, West China Second University Hospital, Sichuan University
Classification: Benign for Ovarian cancer. Last evaluated: 2022-01-01. Review status: criteria provided, single submitter. Criteria: ACMG Guidelines, 2015. Collection method: clinical testing. Allele origin: germline. Affected: yes.